The following is an entry in ClinVar:

NM_022437.3(ABCG8):c.373G>A (p.Gly125Ser)

Gene: ABCG8 (ATP binding cassette subfamily G member 8; plus strand). Cytogenetic location: 2p21.
Variant type: single nucleotide variant.
Coding change: c.373G>A on transcript NM_022437.3 (MANE Select); coding-DNA position 373, G replaced by A.
Protein change: p.Gly125Ser; replaces glycine 125 with serine.
Molecular consequence: missense variant.
Genome position (GRCh38, 1-based): chr2:43,851,634, G>A. VCF-style: chr2-43851634-G-A. GRCh37 (hg19) VCF-style: chr2-44078773-G-A.
Other names: c.373G>A, p.Gly125Ser (NM_001357321.2); c.373G>A (NM_022437.2); short protein forms G125S.
Identifiers: ClinVar variation 2201231 (VCV002201231.3), dbSNP rs148408462, ClinGen allele CA1637001.

ClinVar aggregate classification (germline): Uncertain significance. Review status: criteria provided, single submitter (1 of 4 stars). 2 submissions from 2 submitters: Uncertain significance (1). 1 of the submissions does not count toward it. Last evaluated 2022-08-13.

Conditions:
ABCG8-related disorder. Also called: ABCG8-related condition.

Allele frequency attached by ClinVar (database versions not stated): ExAC 0.00002; gnomAD 0.00003; TOPMed 0.00003; ESP Exome Variant Server 0.00008.
gnomAD v4.1: 46 of 1,614,128 alleles (0.0028%); highest among the groups gnomAD compares: Non-Finnish European, 0.0036%; no homozygotes.

Submissions (2):

Labcorp Genetics (formerly Invitae), Labcorp
Classification: Uncertain significance. Last evaluated: 2022-08-13. Review status: criteria provided, single submitter. Criteria: Invitae Variant Classification Sherloc (09022015). Collection method: clinical testing. Allele origin: germline.
Comment: This sequence change replaces glycine, which is neutral and non-polar, with serine, which is neutral and polar, at codon 125 of the ABCG8 protein (p.Gly125Ser). This variant is present in population databases (rs148408462, gnomAD 0.006%). This missense change has been observed in individual(s) with sitosterolemia (PMID: 32041611). Algorithms developed to predict the effect of missense changes on protein structure and function (SIFT, PolyPhen-2, Align-GVGD) all suggest that this variant is likely to be disruptive. In summary, the available evidence is currently insufficient to determine the role of this variant in disease. Therefore, it has been classified as a Variant of Uncertain Significance.

PreventionGenetics, part of Exact Sciences
Classification: Uncertain significance for ABCG8-related condition. Last evaluated: 2023-11-22. Review status: no assertion criteria provided. Collection method: clinical testing. Allele origin: germline. Not counted in ClinVar's aggregate classification.
Comment: The ABCG8 c.373G>A variant is predicted to result in the amino acid substitution p.Gly125Ser. This variant was reported in an individual with dyslipidemias, however further clinical information was not provided (Supplemental Tables 3 and 4, Dron et al. 2020. PubMed ID: 32041611). This variant is reported in 0.0062% of alleles in individuals of European (Non-Finnish) descent in gnomAD. At this time, the clinical significance of this variant is uncertain due to the absence of conclusive functional and genetic evidence.

Literature cited by the submitters: PubMed 32041611 (cited by Labcorp Genetics (formerly Invitae), Labcorp).